The following is an entry in ClinVar:

NM_000124.4(ERCC6):c.4230G>A (p.Gly1410=)

Gene: ERCC6 (ERCC excision repair 6, chromatin remodeling factor; minus strand). Cytogenetic location: 10q11.23.
Variant type: single nucleotide variant.
Coding change: c.4230G>A on transcript NM_000124.4 (MANE Select); coding-DNA position 4230, G replaced by A.
Protein change: p.Gly1410=; no amino-acid change (glycine 1410 retained).
Molecular consequence: synonymous variant.
Genome position (GRCh38, 1-based): chr10:49,459,067, C>T on the plus strand (G>A on the coding strand, the complement: ERCC6 is on the minus strand). VCF-style: chr10-49459067-C-T. GRCh37 (hg19) VCF-style: chr10-50667113-C-T.
Other names: c.4230G>A, p.Gly1410= (NM_001346440.2).
Identifiers: ClinVar variation 1472459 (VCV001472459.32), dbSNP rs765902760, ClinGen allele CA206614599.
Genomic context (GRCh38, chr10:49,459,067, plus strand): 5'-CTCCACCAGAAGGTCATCGTGTTCTGTGGTGGGCAGCAGGGCAGAAGCTTCCTGCAGGTG[C>T]CCGCTTTCACTTTCTAAACGCTCTGGCAGAATCAGGTGGTTTCTAGCTCTCATTTTAGCC-3'
Protein context (NP_000115.1, residues 1400-1420): ILPERLESES[Gly1410=]HLQEASALLP

ClinVar aggregate classification (germline): Likely benign. Review status: criteria provided, multiple submitters, no conflicts (2 of 4 stars). 2 submissions from 2 submitters: Likely benign (2). Last evaluated 2023-07-01.

Allele frequency attached by ClinVar (database versions not stated): gnomAD 0.00001; TOPMed 0.00001.
gnomAD v4.1: 2 of 1,614,060 alleles (0.00012%); highest among the groups gnomAD compares: African/African-American, 0.0013%; no homozygotes.

Submissions (2):

CeGaT Center for Human Genetics Tuebingen
Classification: Likely benign. Last evaluated: 2023-07-01. Review status: criteria provided, single submitter. Criteria: CeGaT Center For Human Genetics Tuebingen Variant Classification Criteria Version 2. Collection method: clinical testing. Allele origin: germline. Affected: yes. Observed: 1 variant allele.
Comment: ERCC6: BP4, BP7

Labcorp Genetics (formerly Invitae), Labcorp
Classification: Likely benign. Last evaluated: 2022-09-29. Review status: criteria provided, single submitter. Criteria: Invitae Variant Classification Sherloc (09022015). Collection method: clinical testing. Allele origin: germline.